The following is an entry in ClinVar:

NM_017777.4(MKS1):c.110dup (p.Asn37fs)

Gene: MKS1 (MKS transition zone complex subunit 1; minus strand). Cytogenetic location: 17q22.
Variant type: Duplication.
Coding change: c.110dup on transcript NM_017777.4 (MANE Select); coding-DNA position 110, one base duplicated (A; older notation c.110dupA).
Protein change: p.Asn37fs; shifts the reading frame from asparagine 37.
Molecular consequence: frameshift variant. On other transcripts: 5 prime UTR variant (1).
Genome position (GRCh38, 1-based): chr17:58,218,700, T duplicated on the plus strand (A on the coding strand, the reverse complement: MKS1 is on the minus strand); the first of 2 consecutive T bases (chr17:58,218,700-58,218,701); duplicating either gives the same sequence. VCF-style (leftmost placement, unchanged base first): chr17-58218699-G-GT. GRCh37 (hg19) VCF-style: chr17-56296060-G-GT.
Other names: c.-402dup (NM_001321268.2); c.110dup, p.Asn37fs (NM_001321269.2, NM_001330397.2, NM_001411113.1); short protein forms N37fs.
Identifiers: ClinVar variation 5012233 (VCV005012233.1).

ClinVar aggregate classification (germline): Pathogenic (1 of 4 stars; one submission).

Conditions:
Ciliopathy. Also called: Ciliopathies. Identifiers: Orphanet 363250, MedGen C4277690, MONDO:0005308, MeSH D000072661.

Submission:

Myriad Genetics, Inc.
Classification: Pathogenic for Ciliopathy. Last evaluated: 2023-09-27. Review status: criteria provided, single submitter. Criteria: Myriad Autosomal Dominant, Autosomal Recessive and X-Linked Classification Criteria (2023). Collection method: clinical testing. Allele origin: unknown.
Comment: NM_017777.3(MKS1):c.110dupA(N37Kfs*22) is expected to be pathogenic in the context of MKS1-related disorders. This variant is predicted to lead to an abnormal or absent protein product due to the creation of a premature termination codon in MKS1, a gene where loss-of-function variants are known to be pathogenic. Please note: this variant was assessed in the context of healthy population screening.